The following is an entry in ClinVar:

ClinVar aggregate classification (germline): Uncertain significance (1 of 4 stars; one submission).

Conditions:
Neurodevelopmental disorder with neuromuscular and skeletal abnormalities (NEDNMS). Identifiers: MedGen C5676965, MONDO:0859236, OMIM 619833.

gnomAD v4.1: 18 of 1,614,104 alleles (0.0011%); highest among the groups gnomAD compares: Non-Finnish European, 0.0013%; no homozygotes.

Submission:

3billion
Classification: Uncertain significance for Neurodevelopmental disorder with neuromuscular and skeletal abnormalities. Last evaluated: 2024-11-14. Review status: criteria provided, single submitter. Criteria: ACMG Guidelines, 2015. Collection method: clinical testing. Allele origin: germline. Affected: yes.
Comment: The variant is observed at an extremely low frequency in the gnomAD v4.1.0 dataset (total allele frequency: 0.001%). Predicted Consequence/Location: Missense variant In silico tool predictions suggest damaging effect of the variant on gene or gene product [REVEL: 0.68 (>=0.6, sensitivity 0.68 and specificity 0.92)]. Therefore, this variant is classified as VUS according to the recommendation of ACMG/AMP guideline.

NM_001037132.4(NRCAM):c.1670T>A (p.Val557Glu)

Gene: NRCAM (neuronal cell adhesion molecule; minus strand). Cytogenetic location: 7q31.1.
Variant type: single nucleotide variant.
Coding change: c.1670T>A on transcript NM_001037132.4 (MANE Select); coding-DNA position 1670, T replaced by A.
Protein change: p.Val557Glu; replaces valine 557 with glutamic acid.
Molecular consequence: missense variant. On other transcripts: non-coding transcript variant (5).
Genome position (GRCh38, 1-based): chr7:108,194,132, A>T on the plus strand (T>A on the coding strand, the complement: NRCAM is on the minus strand). VCF-style: chr7-108194132-A-T. GRCh37 (hg19) VCF-style: chr7-107834576-A-T.
Other names: c.1670T>A, p.Val557Glu (NM_001193582.2, NM_001371123.1, NM_001371128.1 and 13 more transcripts); c.1613T>A, p.Val538Glu (NM_001193583.2, NM_001193584.2, NM_001371119.1 and 22 more transcripts); c.1325T>A, p.Val442Glu (NM_001371125.1, NM_001371142.1, NM_001371143.1 and 2 more transcripts); c.1667T>A, p.Val556Glu (NM_001371127.1); c.1652T>A, p.Val551Glu (NM_001371130.1, NM_001371133.1, NM_001371136.1 and 9 more transcripts); c.1649T>A, p.Val550Glu (NM_001371134.1); c.743T>A, p.Val248Glu (NM_001371137.1); c.1382T>A, p.Val461Glu (NM_001371148.1, NM_001371170.1, NM_001371179.1 and 1 more transcripts); and 1 more; short protein forms V248E, V442E, V461E, V532E, V538E, V550E, V551E, V556E.
Identifiers: ClinVar variation 4292832 (VCV004292832.1).